The following is an entry in ClinVar:

NM_000557.5(GDF5):c.740C>T (p.Ser247Leu)

Gene: GDF5 (growth differentiation factor 5; minus strand). Cytogenetic location: 20q11.22.
Variant type: single nucleotide variant.
Coding change: c.740C>T on transcript NM_000557.5 (MANE Select); coding-DNA position 740, C replaced by T.
Protein change: p.Ser247Leu; replaces serine 247 with leucine.
Molecular consequence: missense variant.
Genome position (GRCh38, 1-based): chr20:35,434,675, G>A on the plus strand (C>T on the coding strand, the complement: GDF5 is on the minus strand). VCF-style: chr20-35434675-G-A. GRCh37 (hg19) VCF-style: chr20-34022473-G-A.
Other names: c.740C>T (NM_000557.2); c.740C>T, p.Ser247Leu (NM_001319138.2); short protein forms S247L.
Identifiers: ClinVar variation 2081631 (VCV002081631.4), dbSNP rs147779125, ClinGen allele CA9832246.

ClinVar aggregate classification (germline): Uncertain significance. Review status: criteria provided, multiple submitters, no conflicts (2 of 4 stars). 2 submissions from 2 submitters: Uncertain significance (2). Last evaluated 2025-03-10.

Conditions:
Inborn genetic diseases. Identifiers: MedGen C0950123, MeSH D030342.

Allele frequency attached by ClinVar (database versions not stated): ESP Exome Variant Server 0.00015; TOPMed 0.00020; ExAC 0.00002; gnomAD exomes 0.00002.
gnomAD v4.1: 55 of 1,612,746 alleles (0.0034%); highest among the groups gnomAD compares: African/African-American, 0.064%; no homozygotes.

Submissions (2):

Labcorp Genetics (formerly Invitae), Labcorp
Classification: Uncertain significance. Last evaluated: 2025-03-10. Review status: criteria provided, single submitter. Criteria: Invitae Variant Classification Sherloc (09022015). Collection method: clinical testing. Allele origin: germline.
Comment: This sequence change replaces serine, which is neutral and polar, with leucine, which is neutral and non-polar, at codon 247 of the GDF5 protein (p.Ser247Leu). This variant is present in population databases (rs147779125, gnomAD 0.04%). This variant has not been reported in the literature in individuals affected with GDF5-related conditions. ClinVar contains an entry for this variant (Variation ID: 2081631). Invitae Evidence Modeling of protein sequence and biophysical properties (such as structural, functional, and spatial information, amino acid conservation, physicochemical variation, residue mobility, and thermodynamic stability) indicates that this missense variant is not expected to disrupt GDF5 protein function with a negative predictive value of 80%. In summary, the available evidence is currently insufficient to determine the role of this variant in disease. Therefore, it has been classified as a Variant of Uncertain Significance.

Ambry Genetics
Classification: Uncertain significance for Inborn genetic diseases. Last evaluated: 2024-11-12. Review status: criteria provided, single submitter. Criteria: Ambry Variant Classification Scheme 2023. Collection method: clinical testing. Allele origin: germline.